The following is an entry in ClinVar:

ClinVar aggregate classification (germline): Pathogenic (1 of 4 stars; one submission).

Conditions:
Hereditary cancer-predisposing syndrome. Also called: Hereditary Cancer Syndrome; Hereditary neoplastic syndrome; Neoplastic Syndromes, Hereditary; Tumor predisposition. Identifiers: Orphanet 140162, MedGen C0027672, MeSH D009386, MONDO:0015356.

Submission:

Ambry Genetics
Classification: Pathogenic for Hereditary cancer-predisposing syndrome. Last evaluated: 2025-07-29. Review status: criteria provided, single submitter. Criteria: Ambry Variant Classification Scheme 2023. Collection method: clinical testing. Allele origin: germline.
Comment: The c.2271delG pathogenic mutation, located in coding exon 14 of the DICER1 gene, results from a deletion of one nucleotide at nucleotide position 2271, causing a translational frameshift with a predicted alternate stop codon (p.R758Gfs*15). This variant is considered to be rare based on population cohorts in the Genome Aggregation Database (gnomAD). This alteration is expected to result in loss of function by premature protein truncation or nonsense-mediated mRNA decay. As such, this alteration is interpreted as a disease-causing mutation.

NM_177438.3(DICER1):c.2271del (p.Arg758fs)

Gene: DICER1 (dicer 1, ribonuclease III; minus strand). Cytogenetic location: 14q32.13.
Variant type: Deletion.
Coding change: c.2271del on transcript NM_177438.3 (MANE Select); coding-DNA position 2271, one base deleted (G; older notation c.2271delG).
Protein change: p.Arg758fs; shifts the reading frame from arginine 758.
Molecular consequence: frameshift variant. On other transcripts: non-coding transcript variant (6).
Genome position (GRCh38, 1-based): chr14:95,108,489, C deleted on the plus strand (G on the coding strand, the reverse complement: DICER1 is on the minus strand). VCF-style (leftmost placement, unchanged base first): chr14-95108488-TC-T. GRCh37 (hg19) VCF-style: chr14-95574825-TC-T.
Other names: c.2271del, p.Arg758fs (NM_001271282.3, NM_001291628.2, NM_001395677.1 and 12 more transcripts); c.1989del, p.Arg664fs (NM_001395686.1); c.1866del, p.Arg623fs (NM_001395687.1, NM_001395688.1, NM_001395689.1 and 2 more transcripts); c.1704del, p.Arg569fs (NM_001395691.1); c.588del, p.Arg197fs (NM_001395697.1); short protein forms R623fs, R197fs, R569fs, R664fs, R758fs.
Identifiers: ClinVar variation 4240510 (VCV004240510.1).